The following is an entry in ClinVar:

NM_017654.4(SAMD9):c.3869C>T (p.Ala1290Val)

Gene: SAMD9 (sterile alpha motif domain containing 9; minus strand). Cytogenetic location: 7q21.2.
Variant type: single nucleotide variant.
Coding change: c.3869C>T on transcript NM_017654.4 (MANE Select); coding-DNA position 3869, C replaced by T.
Protein change: p.Ala1290Val; replaces alanine 1290 with valine.
Molecular consequence: missense variant.
Genome position (GRCh38, 1-based): chr7:93,102,229, G>A on the plus strand (C>T on the coding strand, the complement: SAMD9 is on the minus strand). VCF-style: chr7-93102229-G-A. GRCh37 (hg19) VCF-style: chr7-92731542-G-A.
Other names: c.3869C>T, p.Ala1290Val (NM_001193307.2); c.3869C>T (NM_017654.3); short protein forms A1290V.
Identifiers: ClinVar variation 2134858 (VCV002134858.5), dbSNP rs2535354528, ClinGen allele CA368182053.

ClinVar aggregate classification (germline): Uncertain significance. Review status: criteria provided, multiple submitters, no conflicts (2 of 4 stars). 2 submissions from 2 submitters: Uncertain significance (2). Last evaluated 2025-01-04.

Conditions:
Inborn genetic diseases. Identifiers: MedGen C0950123, MeSH D030342.

Allele frequency attached by ClinVar (database versions not stated): gnomAD exomes below 0.00001.

Submissions (2):

Ambry Genetics
Classification: Uncertain significance for Inborn genetic diseases. Last evaluated: 2025-01-04. Review status: criteria provided, single submitter. Criteria: Ambry Variant Classification Scheme 2023. Collection method: clinical testing. Allele origin: germline.
Comment: The p.A1290V variant (also known as c.3869C>T), located in coding exon 1 of the SAMD9 gene, results from a C to T substitution at nucleotide position 3869. The alanine at codon 1290 is replaced by valine, an amino acid with similar properties. This amino acid position is conserved. In addition, this alteration is predicted to be tolerated by in silico analysis. Based on the available evidence, the clinical significance of this variant remains unclear.

Labcorp Genetics (formerly Invitae), Labcorp
Classification: Uncertain significance. Last evaluated: 2022-05-06. Review status: criteria provided, single submitter. Criteria: Invitae Variant Classification Sherloc (09022015). Collection method: clinical testing. Allele origin: germline.
Comment: In summary, the available evidence is currently insufficient to determine the role of this variant in disease. Therefore, it has been classified as a Variant of Uncertain Significance. Algorithms developed to predict the effect of missense changes on protein structure and function (SIFT, PolyPhen-2, Align-GVGD) all suggest that this variant is likely to be tolerated. This sequence change replaces alanine, which is neutral and non-polar, with valine, which is neutral and non-polar, at codon 1290 of the SAMD9 protein (p.Ala1290Val). This variant is not present in population databases (gnomAD no frequency). This variant has not been reported in the literature in individuals affected with SAMD9-related conditions.